The following is an entry in ClinVar:

ClinVar aggregate classification (germline): Conflicting classifications of pathogenicity. Review status: criteria provided, conflicting classifications (1 of 4 stars). 6 submissions from 6 submitters: Pathogenic (1); Likely pathogenic (3); Uncertain significance (1). 1 of the submissions does not count toward it. Last evaluated 2026-07-03.

Conditions:
Autosomal recessive hypophosphatemic bone disease (HHRH). Also called: HYPERCALCIURIC RICKETS; Hypophosphatemic rickets with hypercalciuria. Identifiers: Orphanet 157215, MedGen C1853271, MONDO:0009431, OMIM 241530.
SLC34A3-related disorder. Also called: SLC34A3-related condition.

Submissions (6):

Institute of Human Genetics, University of Leipzig Medical Center
Classification: Likely pathogenic for Autosomal recessive hypophosphatemic bone disease. Last evaluated: 2026-07-03. Review status: criteria provided, single submitter. Criteria: ACMG Guidelines, 2015. Collection method: clinical testing. Allele origin: unknown. Inheritance: Autosomal recessive inheritance. Affected: yes.
Comment: Criteria applied: PM3_VSTR,PP3

Rare Kidney Stone Consortium and the Mayo Clinic Hyperoxaluria Center, Mayo Clinic
Classification: Pathogenic for Autosomal recessive hypophosphatemic bone disease. Last evaluated: 2025-10-03. Review status: criteria provided, single submitter. Criteria: ACMG Guidelines, 2015. Collection method: research. Allele origin: germline. Affected: yes. Observed: 4 variant alleles.

GeneDx
Classification: Uncertain significance. Last evaluated: 2025-05-05. Review status: criteria provided, single submitter. Criteria: GeneDx Variant Classification Process June 2021. Collection method: clinical testing. Allele origin: germline.
Comment: In silico analysis supports that this variant does not alter splicing; This variant is associated with the following publications: (PMID: 34666334, 22387237, 24176905, 24700880, Barton2021[preprint], 31672324, 34805638)

Institute of Human Genetics Munich, TUM University Hospital
Classification: Likely pathogenic for Autosomal recessive hypophosphatemic bone disease. Last evaluated: 2024-04-08. Review status: criteria provided, single submitter. Criteria: Classification criteria August 2017. Collection method: clinical testing. Allele origin: germline. Inheritance: Autosomal recessive inheritance. Affected: yes. Observed: 1 variant allele.

Blueprint Genetics
Classification: Likely pathogenic for SLC34A3-related disorders. Last evaluated: 2021-11-04. Review status: criteria provided, single submitter. Criteria: ACMG Guidelines, 2015. Collection method: clinical testing. Allele origin: germline. Affected: yes. Observed: 2 variant alleles.

Bioscientia Institut fuer Medizinische Diagnostik GmbH, Sonic Healthcare
Classification: Likely pathogenic for Autosomal recessive hypophosphatemic bone disease. Last evaluated: 2019-12-02. Review status: no assertion criteria provided. Collection method: clinical testing. Allele origin: germline. Affected: yes. Not counted in ClinVar's aggregate classification.

Literature cited by the submitters: PubMed 40794449 (cited by Rare Kidney Stone Consortium and the Mayo Clinic Hyperoxaluria Center, Mayo Clinic); PubMed 24176905 (cited by Institute of Human Genetics Munich, TUM University Hospital).

NM_001177316.2(SLC34A3):c.560+27_561-38del

Gene: SLC34A3 (solute carrier family 34 member 3; plus strand). Cytogenetic location: 9q34.3.
Variant type: Deletion.
Coding change: c.560+27_561-38del on transcript NM_001177316.2 (MANE Select); 27 bases into the intron after coding-DNA position 560 through 38 bases into the intron before coding-DNA position 561, 30 bases deleted (TGGGGCTGCAGTGGCAGCCCCAGCCCGGGC).
Molecular consequence: intron variant.
Genome position (GRCh38, 1-based): chr9:137,233,142-137,233,171, TGGGGCTGCAGTGGCAGCCCCAGCCCGGGC deleted; deleting any 30 consecutive bases within chr9:137,233,138-137,233,171 gives the same sequence; the c. name uses the placement nearest the transcript's 3' end. VCF-style (leftmost placement, unchanged base first): chr9-137233137-TGGGCTGGGGCTGCAGTGGCAGCCCCAGCCC-T. GRCh37 (hg19) VCF-style: chr9-140127589-TGGGCTGGGGCTGCAGTGGCAGCCCCAGCCC-T.
Other names: c.560+27_561-38del (NM_001177317.2, NM_080877.3).
Identifiers: ClinVar variation 829929 (VCV000829929.13), dbSNP rs746082077, ClinGen allele CA5364467.